The following is an entry in ClinVar:

NM_133433.4(NIPBL):c.1835A>G (p.Glu612Gly)

Gene: NIPBL (NIPBL cohesin loading factor; plus strand). Cytogenetic location: 5p13.2.
Variant type: single nucleotide variant.
Coding change: c.1835A>G on transcript NM_133433.4 (MANE Select); coding-DNA position 1835, A replaced by G.
Protein change: p.Glu612Gly; replaces glutamic acid 612 with glycine.
Molecular consequence: missense variant.
Genome position (GRCh38, 1-based): chr5:36,985,015, A>G. VCF-style: chr5-36985015-A-G. GRCh37 (hg19) VCF-style: chr5-36985117-A-G.
Other names: c.1835A>G, p.Glu612Gly (NM_015384.5); c.1835A>G (NM_133433.3); short protein forms E612G.
Identifiers: ClinVar variation 1971249 (VCV001971249.6), dbSNP rs200774440, ClinGen allele CA3236090.

ClinVar aggregate classification (germline): Conflicting classifications of pathogenicity. Review status: criteria provided, conflicting classifications (1 of 4 stars). 2 submissions from 2 submitters: Uncertain significance (1); Likely benign (1). Last evaluated 2024-04-15.

Conditions:
Inborn genetic diseases. Identifiers: MedGen C0950123, MeSH D030342.
Cornelia de Lange syndrome 1 (CDLS1). Also called: NIPBL-Related Cornelia de Lange Syndrome; TYPUS DEGENERATIVUS AMSTELODAMENSIS; Brachmann de Lange syndrome. Identifiers: Orphanet 199, MedGen C4551851, MONDO:0007387, OMIM 122470.

Allele frequency attached by ClinVar (database versions not stated): gnomAD exomes below 0.00001; ExAC 0.00003; TOPMed 0.00009; gnomAD 0.00011; 1000 Genomes Project 30x 0.00016; 1000 Genomes Project 0.00020; ESP Exome Variant Server 0.00023.
gnomAD v4.1: 23 of 1,613,936 alleles (0.0014%); highest among the groups gnomAD compares: African/African-American, 0.021%; no homozygotes.

Submissions (2):

Labcorp Genetics (formerly Invitae), Labcorp
Classification: Uncertain significance for Cornelia de Lange syndrome 1. Last evaluated: 2024-04-15. Review status: criteria provided, single submitter. Criteria: Invitae Variant Classification Sherloc (09022015). Collection method: clinical testing. Allele origin: germline.
Comment: This sequence change replaces glutamic acid, which is acidic and polar, with glycine, which is neutral and non-polar, at codon 612 of the NIPBL protein (p.Glu612Gly). This variant is present in population databases (rs200774440, gnomAD 0.03%). This variant has not been reported in the literature in individuals affected with NIPBL-related conditions. ClinVar contains an entry for this variant (Variation ID: 1971249). Advanced modeling of protein sequence and biophysical properties (such as structural, functional, and spatial information, amino acid conservation, physicochemical variation, residue mobility, and thermodynamic stability) performed at Invitae indicates that this missense variant is not expected to disrupt NIPBL protein function with a negative predictive value of 95%. In summary, the available evidence is currently insufficient to determine the role of this variant in disease. Therefore, it has been classified as a Variant of Uncertain Significance.

Ambry Genetics
Classification: Likely benign for Inborn genetic diseases. Last evaluated: 2023-12-19. Review status: criteria provided, single submitter. Criteria: Ambry Variant Classification Scheme 2023. Collection method: clinical testing. Allele origin: germline.